The following is an entry in ClinVar:

NM_000256.3(MYBPC3):c.1431A>G (p.Val477=)

Gene: MYBPC3 (myosin binding protein C3; minus strand). Cytogenetic location: 11p11.2.
Variant type: single nucleotide variant.
Coding change: c.1431A>G on transcript NM_000256.3 (MANE Select); coding-DNA position 1431, A replaced by G.
Protein change: p.Val477=; no amino-acid change (valine 477 retained).
Molecular consequence: synonymous variant.
Genome position (GRCh38, 1-based): chr11:47,342,856, T>C on the plus strand (A>G on the coding strand, the complement: MYBPC3 is on the minus strand). VCF-style: chr11-47342856-T-C. GRCh37 (hg19) VCF-style: chr11-47364407-T-C.
Other names: p.V477V:GTA>GTG; c.1431A>G, p.Val477= (LRG_386t1).
Identifiers: ClinVar variation 138315 (VCV000138315.7), dbSNP rs587781042, ClinGen allele CA010293.

ClinVar aggregate classification (germline): Benign/Likely benign. Review status: criteria provided, multiple submitters, no conflicts (2 of 4 stars). 3 submissions from 3 submitters: Benign (1); Likely benign (2). Last evaluated 2025-11-25.

Conditions:
Cardiovascular phenotype. Identifiers: MedGen CN230736.
Hypertrophic cardiomyopathy. Also called: HYPERTROPHIC MYOCARDIOPATHY. Identifiers: Orphanet 217569, MedGen C0007194, MeSH D002312, MONDO:0005045, HP:0001639.

Allele frequency attached by ClinVar (database versions not stated): gnomAD exomes below 0.00001.
gnomAD v4.1: 2 of 1,613,274 alleles (0.00012%); highest among the groups gnomAD compares: East Asian, 0.0022%; no homozygotes.

Submissions (3):

Labcorp Genetics (formerly Invitae), Labcorp
Classification: Likely benign for Hypertrophic cardiomyopathy. Last evaluated: 2025-11-25. Review status: criteria provided, single submitter. Criteria: Invitae Variant Classification Sherloc (09022015). Collection method: clinical testing. Allele origin: germline.

Ambry Genetics
Classification: Likely benign for Cardiovascular phenotype. Last evaluated: 2020-11-30. Review status: criteria provided, single submitter. Criteria: Ambry Variant Classification Scheme 2023. Collection method: clinical testing. Allele origin: germline.

GeneDx
Classification: Benign. Last evaluated: 2011-07-15. Review status: criteria provided, single submitter. Criteria: GeneDx Variant Classification (06012015). Collection method: clinical testing. Allele origin: germline. Affected: yes.
Comment: This variant is considered likely benign or benign based on one or more of the following criteria: it is a conservative change, it occurs at a poorly conserved position in the protein, it is predicted to be benign by multiple in silico algorithms, and/or has population frequency not consistent with disease.